The following is an entry in ClinVar:

ClinVar aggregate classification (germline): Benign/Likely benign. Review status: criteria provided, multiple submitters, no conflicts (2 of 4 stars). 5 submissions from 5 submitters: Benign (1); Likely benign (4). Last evaluated 2025-03-27.

Conditions:
Hereditary cancer-predisposing syndrome. Also called: Hereditary neoplastic syndrome; Neoplastic Syndromes, Hereditary; Tumor predisposition; Hereditary Cancer Syndrome. Identifiers: Orphanet 140162, MedGen C0027672, MeSH D009386, MONDO:0015356.
Peutz-Jeghers syndrome (PJS). Also called: POLYPOSIS, HAMARTOMATOUS INTESTINAL; POLYPS-AND-SPOTS SYNDROME; Peutz-Jeghers polyposis; Periorificial lentiginosis syndrome. Identifiers: Orphanet 2869, MedGen C0031269, MeSH D010580, MONDO:0008280, OMIM 175200.

Allele frequency attached by ClinVar (database versions not stated): gnomAD exomes below 0.00001.
gnomAD v4.1: 1 of 1,612,606 alleles (0.000062%); highest among the groups gnomAD compares: Admixed American, 0.0017%; no homozygotes.

Submissions (5):

Myriad Genetics, Inc.
Classification: Benign for Peutz-Jeghers syndrome. Last evaluated: 2025-03-27. Review status: criteria provided, single submitter. Criteria: Myriad Autosomal Dominant, Autosomal Recessive and X-Linked Classification Criteria (2023). Collection method: clinical testing. Allele origin: unknown.
Comment: This variant is considered benign. This variant is a silent/synonymous amino acid change and it is not expected to impact splicing.

Labcorp Genetics (formerly Invitae), Labcorp
Classification: Likely benign for Peutz-Jeghers syndrome. Last evaluated: 2025-03-24. Review status: criteria provided, single submitter. Criteria: Invitae Variant Classification Sherloc (09022015). Collection method: clinical testing. Allele origin: germline.

All of Us Research Program, National Institutes of Health
Classification: Likely benign for Peutz-Jeghers syndrome. Last evaluated: 2024-07-29. Review status: criteria provided, single submitter. Criteria: ACMG Guidelines, 2015. Collection method: clinical testing. Allele origin: germline. Inheritance: Autosomal dominant inheritance. Observed: 2 variant alleles, 2 heterozygotes.
Comment: This study involves interpretation of variants in research participants for the purpose of population health screening. Participant phenotype was not available at the time of variant classification. Additional details can be found in publication PMID: 35346344, PMCID: PMC8962531

Color Diagnostics, LLC DBA Color Health
Classification: Likely benign for Hereditary cancer-predisposing syndrome. Last evaluated: 2017-11-22. Review status: criteria provided, single submitter. Criteria: ACMG Guidelines, 2015. Collection method: clinical testing. Allele origin: germline.

Ambry Genetics
Classification: Likely benign for Hereditary cancer-predisposing syndrome. Last evaluated: 2016-05-24. Review status: criteria provided, single submitter. Criteria: Ambry Variant Classification Scheme 2023. Collection method: clinical testing. Allele origin: germline.

NM_000455.5(STK11):c.754C>T (p.Leu252=)

Gene: STK11 (serine/threonine kinase 11; plus strand). Cytogenetic location: 19p13.3.
Variant type: single nucleotide variant.
Coding change: c.754C>T on transcript NM_000455.5 (MANE Select); coding-DNA position 754, C replaced by T.
Protein change: p.Leu252=; no amino-acid change (leucine 252 retained).
Molecular consequence: synonymous variant.
Genome position (GRCh38, 1-based): chr19:1,221,232, C>T. VCF-style: chr19-1221232-C-T. GRCh37 (hg19) VCF-style: chr19-1221231-C-T.
Identifiers: ClinVar variation 480706 (VCV000480706.19), dbSNP rs1363669559, ClinGen allele CA504707034.